The following is an entry in ClinVar:

NM_177438.3(DICER1):c.5477C>A (p.Ser1826Ter)

Gene: DICER1 (dicer 1, ribonuclease III; minus strand). Cytogenetic location: 14q32.13.
Variant type: single nucleotide variant.
Coding change: c.5477C>A on transcript NM_177438.3 (MANE Select); coding-DNA position 5477, C replaced by A.
Protein change: p.Ser1826Ter; replaces serine 1826 with a stop codon.
Molecular consequence: nonsense. On other transcripts: intron variant (1).
Genome position (GRCh38, 1-based): chr14:95,091,253, G>T on the plus strand (C>A on the coding strand, the complement: DICER1 is on the minus strand). VCF-style: chr14-95091253-G-T. GRCh37 (hg19) VCF-style: chr14-95557590-G-T.
Other names: c.5477C>A, p.Ser1826Ter (NM_001271282.3, NM_001291628.2, NM_030621.4); c.5365-144C>A (NM_001195573.1); short protein forms S1826*.
Identifiers: ClinVar variation 30562 (VCV000030562.4), dbSNP rs1595314576, ClinGen allele CA390864565.

ClinVar aggregate classification (germline): Pathogenic. Review status: criteria provided, single submitter (1 of 4 stars). 3 submissions from 2 submitters: Pathogenic (1). 2 of the submissions do not count toward it. Last evaluated 2019-07-01.

Conditions:
DICER1-related tumor predisposition. Also called: DICER1-related pleuropulmonary blastoma cancer predisposition syndrome; DICER1 syndrome. Identifiers: Orphanet 284343, MedGen C3839822, MONDO:0100216.
Euthyroid goiter (MNG1). Also called: Goiter, multinodular 1, with or without Sertoli-Leydig cell tumors; MULTINODULAR GOITER, ADOLESCENT; SIMPLE GOITER; GOITER, NONTOXIC, WITH INTRATHYROIDAL CALCIFICATION. Identifiers: Orphanet 276399, MedGen C0302859, MONDO:0007681, OMIM 138800, HP:0009798.
Pleuropulmonary blastoma (PPB). Identifiers: Orphanet 64742, MedGen C1266144, MONDO:0011014, OMIM 601200, HP:0100528.

Submissions (3):

Foulkes Cancer Genetics LDI, Lady Davis Institute for Medical Research
Classification: Pathogenic for Pleuropulmonary blastoma. Last evaluated: 2019-07-01. Review status: criteria provided, single submitter. Criteria: ACMG Guidelines, 2015. Collection method: curation. Allele origin: germline. Affected: yes and no. Observed: 5 variant alleles.
Comment: ACMG criteria met: PVS1, PM2, PP4

OMIM
Classification: Pathogenic for PLEUROPULMONARY BLASTOMA. Last evaluated: 2010-12-01. Review status: no assertion criteria provided. Collection method: literature only. Allele origin: germline. Not counted in ClinVar's aggregate classification.

OMIM
Classification: Pathogenic for GOITER, MULTINODULAR 1, WITH OR WITHOUT SERTOLI-LEYDIG CELL TUMORS. Last evaluated: 2010-12-01. Review status: no assertion criteria provided. Collection method: literature only. Allele origin: germline. Not counted in ClinVar's aggregate classification.

Literature cited by the submitters: PubMed 21036787 (cited by Foulkes Cancer Genetics LDI, Lady Davis Institute for Medical Research and OMIM).